The following is an entry in ClinVar:

ClinVar aggregate classification (germline): Likely benign (1 of 4 stars; one submission).

Allele frequency attached by ClinVar (database versions not stated): gnomAD 0.00005; ExAC 0.00007.
gnomAD v4.1: 18 of 1,491,932 alleles (0.0012%); highest among the groups gnomAD compares: South Asian, 0.02%; no homozygotes.

Submission:

Women's Health and Genetics/Laboratory Corporation of America, LabCorp
Classification: Likely benign. Last evaluated: 2023-08-17. Review status: criteria provided, single submitter. Criteria: LabCorp Variant Classification Summary - May 2015. Collection method: clinical testing. Allele origin: germline.
Comment: Variant summary: VWF c.1946-9C>T alters a non-conserved nucleotide located at a position not widely known to affect splicing. 4/4 computational tools predict no significant impact on normal splicing. However, these predictions have yet to be confirmed by functional studies. The variant allele was found at a frequency of 8.7e-05 in 68998 control chromosomes (gnomAD). The available data on variant occurrences in the general population are insufficient to allow any conclusion about variant significance. To our knowledge, no occurrence of c.1946-9C>T in individuals affected with Von Willebrand Disease and no experimental evidence demonstrating its impact on protein function have been reported. No submitters have cited clinical-significance assessments for this variant to ClinVar after 2014. Based on the evidence outlined above, the variant was classified as likely benign.

NM_000552.5(VWF):c.1946-9C>T

Gene: VWF (von Willebrand factor; minus strand). Cytogenetic location: 12p13.31.
Variant type: single nucleotide variant.
Coding change: c.1946-9C>T on transcript NM_000552.5 (MANE Select); 9 bases into the intron before coding-DNA position 1946, C replaced by T.
Molecular consequence: intron variant.
Genome position (GRCh38, 1-based): chr12:6,052,792, G>A on the plus strand (C>T on the coding strand, the complement: VWF is on the minus strand). VCF-style: chr12-6052792-G-A. GRCh37 (hg19) VCF-style: chr12-6161958-G-A.
Identifiers: ClinVar variation 2581181 (VCV002581181.1), dbSNP rs748100548, ClinGen allele CA6403219.